The following is an entry in ClinVar:

NM_014639.4(SKIC3):c.544-2A>G

Gene: SKIC3 (SKI3 subunit of superkiller complex; minus strand). Cytogenetic location: 5q15.
Variant type: single nucleotide variant.
Coding change: c.544-2A>G on transcript NM_014639.4 (MANE Select); the canonical splice acceptor site of the intron before coding-DNA position 544, A replaced by G.
Molecular consequence: splice acceptor variant.
Genome position (GRCh38, 1-based): chr5:95,537,143, T>C on the plus strand (A>G on the coding strand, the complement: SKIC3 is on the minus strand). VCF-style: chr5-95537143-T-C. GRCh37 (hg19) VCF-style: chr5-94872847-T-C.
Identifiers: ClinVar variation 2748065 (VCV002748065.3), dbSNP rs2530796938, ClinGen allele CA360442286.

ClinVar aggregate classification (germline): Likely pathogenic (1 of 4 stars; one submission).

Submission:

Labcorp Genetics (formerly Invitae), Labcorp
Classification: Likely pathogenic. Last evaluated: 2023-07-29. Review status: criteria provided, single submitter. Criteria: Invitae Variant Classification Sherloc (09022015). Collection method: clinical testing. Allele origin: germline.
Comment: In summary, the currently available evidence indicates that the variant is pathogenic, but additional data are needed to prove that conclusively. Therefore, this variant has been classified as Likely Pathogenic. Algorithms developed to predict the effect of sequence changes on RNA splicing suggest that this variant may disrupt the consensus splice site. This variant has not been reported in the literature in individuals affected with TTC37-related conditions. This variant is not present in population databases (gnomAD no frequency). This sequence change affects an acceptor splice site in intron 8 of the TTC37 gene. It is expected to disrupt RNA splicing. Variants that disrupt the donor or acceptor splice site typically lead to a loss of protein function (PMID: 16199547), and loss-of-function variants in TTC37 are known to be pathogenic (PMID: 20176027, 21120949).

Literature cited by the submitters: PubMed 16199547; PubMed 20176027; PubMed 21120949.